The following is an entry in ClinVar:

NM_000090.4(COL3A1):c.2032G>T (p.Gly678Cys)

Gene: COL3A1 (collagen type III alpha 1 chain; plus strand). Cytogenetic location: 2q32.2.
Variant type: single nucleotide variant.
Coding change: c.2032G>T on transcript NM_000090.4 (MANE Select); coding-DNA position 2032, G replaced by T.
Protein change: p.Gly678Cys; replaces glycine 678 with cysteine.
Molecular consequence: missense variant.
Genome position (GRCh38, 1-based): chr2:188,999,294, G>T. VCF-style: chr2-188999294-G-T. GRCh37 (hg19) VCF-style: chr2-189864020-G-T.
Other names: short protein forms G678C.
Identifiers: ClinVar variation 3687044 (VCV003687044.2).
Genomic context (GRCh38, chr2:188,999,294, plus strand): 5'-GTTTTTAGCTTTGGGTTGTCTAATATGGTTATTTACATATTTTTGTCACAGGGTGATGCT[G>T]GTGCCCCTGGTGAACGTGGACCTCCTGGATTGGCAGGGGCCCCAGGACTTAGAGGTGGAG-3'
Protein context (NP_000081.2, residues 668-688): PGAPGGKGDA[Gly678Cys]APGERGPPGL

ClinVar aggregate classification (germline): Likely pathogenic (1 of 4 stars; one submission).

Conditions:
Ehlers-Danlos syndrome, type 4 (EDSVASC). Also called: Ehlers-Danlos syndrome vascular type; Ehlers Danlos syndrome, ecchymotic type; Ehlers Danlos syndrome, arterial type; Ehlers Danlos syndrome, Sack-Barabas type; Ehlers-Danlos Syndrome Type IV. Identifiers: Orphanet 286, MedGen C0268338, MONDO:0017314, OMIM 130050.

Submission:

Labcorp Genetics (formerly Invitae), Labcorp
Classification: Likely pathogenic for Ehlers-Danlos syndrome, type 4. Last evaluated: 2025-03-30. Review status: criteria provided, single submitter. Criteria: Invitae Variant Classification Sherloc (09022015). Collection method: clinical testing. Allele origin: germline.
Comment: This sequence change replaces glycine, which is neutral and non-polar, with cysteine, which is neutral and slightly polar, at codon 678 of the COL3A1 protein (p.Gly678Cys). This variant is not present in population databases (gnomAD no frequency). This variant has not been reported in the literature in individuals affected with COL3A1-related conditions. Invitae Evidence Modeling of protein sequence and biophysical properties (such as structural, functional, and spatial information, amino acid conservation, physicochemical variation, residue mobility, and thermodynamic stability) indicates that this missense variant is expected to disrupt COL3A1 protein function with a positive predictive value of 95%. This variant disrupts the triple helix domain of COL3A1. Glycine residues within the Gly-Xaa-Yaa repeats of the triple helix domain are required for the structure and stability of fibrillar collagens (PMID: 7695699, 8218237, 19344236). In COL3A1, variants that affect these glycine residues are significantly enriched in individuals with disease (PMID: 24922459, 25758994) compared to the general population (ExAC). In summary, the currently available evidence indicates that the variant is pathogenic, but additional data are needed to prove that conclusively. Therefore, this variant has been classified as Likely Pathogenic.

Literature cited by the submitters: PubMed 7695699; PubMed 8218237; PubMed 19344236; PubMed 24922459; PubMed 25758994.